The following is an entry in ClinVar:

ClinVar aggregate classification (germline): Uncertain significance. Review status: criteria provided, multiple submitters, no conflicts (2 of 4 stars). 2 submissions from 2 submitters: Uncertain significance (2). Last evaluated 2024-01-03.

Conditions:
Inborn genetic diseases. Identifiers: MedGen C0950123, MeSH D030342.

Allele frequency attached by ClinVar (database versions not stated): gnomAD exomes below 0.00001 and 0.00001; ExAC 0.00001; gnomAD 0.00001; TOPMed 0.00001.
gnomAD v4.1: 6 of 1,613,382 alleles (0.00037%); highest among the groups gnomAD compares: Non-Finnish European, 0.00017%; no homozygotes.

Submissions (2):

Ambry Genetics
Classification: Uncertain significance for Inborn genetic diseases. Last evaluated: 2024-01-03. Review status: criteria provided, single submitter. Criteria: Ambry Variant Classification Scheme 2023. Collection method: clinical testing. Allele origin: germline.

GeneDx
Classification: Uncertain significance. Last evaluated: 2018-03-12. Review status: criteria provided, single submitter. Criteria: GeneDx Variant Classification (06012015). Collection method: clinical testing. Allele origin: germline. Affected: yes.
Comment: The E665K variant has not been published as a pathogenic variant, nor has it been reported as a benign variant to our knowledge. The E665K variant is not observed at a significant frequency in large population cohorts (Lek et al., 2016). The E665K variant is a non-conservative amino acid substitution, which is likely to impact secondary protein structure as these residues differ in polarity, charge, size and/or other properties. However, in-silico analyses, including protein predictors and evolutionary conservation, support that this variant does not alter protein structure/function. Therefore, based on the currently available information, it is unclear whether this variant is a pathogenic variant or a rare benign variant.

NM_001242896.3(DEPDC5):c.1993G>A (p.Glu665Lys)

Gene: DEPDC5 (DEP domain containing 5, GATOR1 subcomplex subunit; plus strand). Cytogenetic location: 22q12.3.
Variant type: single nucleotide variant.
Coding change: c.1993G>A on transcript NM_001242896.3 (MANE Select); coding-DNA position 1993, G replaced by A.
Protein change: p.Glu665Lys; replaces glutamic acid 665 with lysine.
Molecular consequence: missense variant. On other transcripts: non-coding transcript variant (4), intron variant (3).
Genome position (GRCh38, 1-based): chr22:31,821,624, G>A. VCF-style: chr22-31821624-G-A. GRCh37 (hg19) VCF-style: chr22-32217610-G-A.
Other names: c.1993G>A, p.Glu665Lys (NM_001136029.4, NM_001363852.2, NM_001364318.2 and 3 more transcripts); c.1909G>A, p.Glu637Lys (NM_001369901.1, NM_001369902.1); c.1870+2399G>A (NM_001363854.2, NM_001242897.2, NM_001364319.2); short protein forms E665K, E637K.
Identifiers: ClinVar variation 421979 (VCV000421979.3), dbSNP rs753762209, ClinGen allele CA10196521.
Genomic context (GRCh38, chr22:31,821,624, plus strand): 5'-GGCAGCGGGCAGAGGGATCCAACTCACTCCTCTGCAGAGCTGCTGGAGTTAGCATATCAT[G>A]AAGCTGCTGGAAGGTGAGGATGTGCACAGGGCTCTGGAAGGTAACCTGAGAACACTCTCC-3'
Protein context (NP_001229825.1, residues 655-675): SAELLELAYH[Glu665Lys]AAGRHSNSRQ